The following is an entry in ClinVar:

ClinVar aggregate classification (germline): Uncertain significance (1 of 4 stars; one submission).

gnomAD v4.1: 1 of 1,614,202 alleles (0.000062%); highest among the groups gnomAD compares: Admixed American, 0.0017%; no homozygotes.

Submission:

Labcorp Genetics (formerly Invitae), Labcorp
Classification: Uncertain significance. Last evaluated: 2022-06-05. Review status: criteria provided, single submitter. Criteria: Invitae Variant Classification Sherloc (09022015). Collection method: clinical testing. Allele origin: germline.
Comment: In summary, the available evidence is currently insufficient to determine the role of this variant in disease. Therefore, it has been classified as a Variant of Uncertain Significance. Algorithms developed to predict the effect of missense changes on protein structure and function output the following: SIFT: "Deleterious"; PolyPhen-2: "Benign"; Align-GVGD: "Class C0". The glycine amino acid residue is found in multiple mammalian species, which suggests that this missense change does not adversely affect protein function. This sequence change replaces arginine, which is basic and polar, with glycine, which is neutral and non-polar, at codon 62 of the IMPDH1 protein (p.Arg62Gly). This variant is not present in population databases (gnomAD no frequency). This variant has not been reported in the literature in individuals affected with IMPDH1-related conditions.

NM_000883.4(IMPDH1):c.184C>G (p.Arg62Gly)

Gene: IMPDH1 (inosine monophosphate dehydrogenase 1; minus strand). Cytogenetic location: 7q32.1.
Variant type: single nucleotide variant.
Coding change: c.184C>G on transcript NM_000883.4 (MANE Select); coding-DNA position 184, C replaced by G.
Protein change: p.Arg62Gly; replaces arginine 62 with glycine.
Molecular consequence: missense variant. On other transcripts: intron variant (3).
Genome position (GRCh38, 1-based): chr7:128,409,447, G>C on the plus strand (C>G on the coding strand, the complement: IMPDH1 is on the minus strand). VCF-style: chr7-128409447-G-C. GRCh37 (hg19) VCF-style: chr7-128049501-G-C.
Other names: c.184C>G, p.Arg62Gly (NM_001142576.2); c.146+309C>G (NM_001304521.2, NM_183243.3); c.147-81C>G (NM_001102605.2); short protein forms R62G.
Identifiers: ClinVar variation 2200786 (VCV002200786.4), dbSNP rs926912595, ClinGen allele CA369181245.
Genomic context (GRCh38, chr7:128,409,447, plus strand): 5'-TCAGTCGGACAGGACTCCAGCAAGCACTGTTTGAACCCCAGGAGTTGGAGCCACCTGAAC[G>C]GGGTGTCGTCGGGTGTGTAGCGAGGTCCAATCTAGGGCTAAGATTTTAGGGAAGGTTTTT-3'
Protein context (NP_000874.2, residues 52-72): LDLATHPTTP[Arg62Gly]SELSSVVLLA